The following is an entry in ClinVar:

NM_001346249.2(RALGAPA1):c.2104+3A>G

Gene: RALGAPA1 (Ral GTPase activating protein catalytic subunit alpha 1; minus strand). Cytogenetic location: 14q13.2.
Variant type: single nucleotide variant.
Coding change: c.2104+3A>G on transcript NM_001346249.2 (MANE Select); 3 bases into the intron after coding-DNA position 2104, A replaced by G.
Molecular consequence: intron variant.
Genome position (GRCh38, 1-based): chr14:35,723,024, T>C on the plus strand (A>G on the coding strand, the complement: RALGAPA1 is on the minus strand). VCF-style: chr14-35723024-T-C. GRCh37 (hg19) VCF-style: chr14-36192230-T-C.
Other names: c.2104+3A>G (NM_194301.4, NM_001346246.2, NM_014990.3 and 7 more transcripts).
Identifiers: ClinVar variation 2229084 (VCV002229084.2), dbSNP rs773021579, ClinGen allele CA7156938.

ClinVar aggregate classification (germline): Uncertain significance (1 of 4 stars; one submission).

Conditions:
Inborn genetic diseases. Identifiers: MedGen C0950123, MeSH D030342.

Allele frequency attached by ClinVar (database versions not stated): ExAC 0.00001; gnomAD exomes 0.00001; TOPMed 0.00001.
gnomAD v4.1: 19 of 1,585,252 alleles (0.0012%); highest among the groups gnomAD compares: Middle Eastern, 0.017%; no homozygotes.

Submission:

Ambry Genetics
Classification: Uncertain significance for Inborn genetic diseases. Last evaluated: 2021-01-27. Review status: criteria provided, single submitter. Criteria: Ambry Variant Classification Scheme 2023. Collection method: clinical testing. Allele origin: germline.
Comment: The c.2104+3A>G intronic alteration consists of a A to G substitution nucleotides after coding exon 15 in the RALGAPA1 gene. In silico splice site analysis predicts that this alteration will not have any significant effect on splicing. Based on insufficient or conflicting evidence, the clinical significance of this alteration remains unclear.